The following is an entry in ClinVar:

ClinVar aggregate classification (germline): Likely benign. Review status: criteria provided, multiple submitters, no conflicts (2 of 4 stars). 2 submissions from 2 submitters: Likely benign (2). Last evaluated 2022-03-24.

Conditions:
Duchenne muscular dystrophy (DMD). Also called: MUSCULAR DYSTROPHY, PSEUDOHYPERTROPHIC PROGRESSIVE, DUCHENNE TYPE; Duchenne Muscular Dystrophy (DMD). Identifiers: Orphanet 98896, MedGen C0013264, MONDO:0010679, OMIM 310200.

Submissions (2):

Labcorp Genetics (formerly Invitae), Labcorp
Classification: Likely benign for Duchenne muscular dystrophy. Last evaluated: 2022-03-24. Review status: criteria provided, single submitter. Criteria: Invitae Variant Classification Sherloc (09022015). Collection method: clinical testing. Allele origin: germline.

GeneDx
Classification: Likely benign. Last evaluated: 2016-11-14. Review status: criteria provided, single submitter. Criteria: GeneDx Variant Classification (06012015). Collection method: clinical testing. Allele origin: germline. Affected: yes.
Comment: This variant is considered likely benign or benign based on one or more of the following criteria: it is a conservative change, it occurs at a poorly conserved position in the protein, it is predicted to be benign by multiple in silico algorithms, and/or has population frequency not consistent with disease.

NM_004006.3(DMD):c.3921+18C>G

Gene: DMD (dystrophin; minus strand). Cytogenetic location: Xp21.1.
Variant type: single nucleotide variant.
Coding change: c.3921+18C>G on transcript NM_004006.3 (MANE Select); 18 bases into the intron after coding-DNA position 3921, C replaced by G.
Molecular consequence: intron variant.
Genome position (GRCh38, 1-based): chrX:32,441,162, G>C on the plus strand (C>G on the coding strand, the complement: DMD is on the minus strand). VCF-style: chrX-32441162-G-C. GRCh37 (hg19) VCF-style: chrX-32459279-G-C.
Other names: c.3897+18C>G (NM_000109.4); c.3909+18C>G (NM_004009.3); c.3552+18C>G (NM_004010.3).
Identifiers: ClinVar variation 390491 (VCV000390491.6), dbSNP rs760035056, ClinGen allele CA16608443.
Genomic context (GRCh38, chrX:32,441,162, plus strand): 5'-ATTTGTCTTCTATTTGGTACTTGACCTCTTTTAATACTGCATATAAATTATCATCATTTG[G>C]CTTAATTTACAACTTACATCTAGCACCTCAGAGATTTCCTCAGCTCCGCCAGGAATGTTT-3'